The following is an entry in ClinVar:

NM_001243133.2(NLRP3):c.3094C>A (p.Pro1032Thr)

Gene: NLRP3 (NLR family pyrin domain containing 3; plus strand). Cytogenetic location: 1q44.
Variant type: single nucleotide variant.
Coding change: c.3094C>A on transcript NM_001243133.2 (MANE Select); coding-DNA position 3094, C replaced by A.
Protein change: p.Pro1032Thr; replaces proline 1032 with threonine.
Molecular consequence: missense variant.
Genome position (GRCh38, 1-based): chr1:247,448,493, C>A. VCF-style: chr1-247448493-C-A. GRCh37 (hg19) VCF-style: chr1-247611795-C-A.
Other names: c.3100C>A (NM_004895.4); c.3094C>A, p.Pro1032Thr (NM_001079821.3); c.2923C>A, p.Pro975Thr (NM_001127461.3, NM_001127462.3); c.3100C>A, p.Pro1034Thr (NM_004895.5); c.2752C>A, p.Pro918Thr (NM_183395.3); short protein forms P1032T, P1034T, P918T, P975T.
Identifiers: ClinVar variation 1023272 (VCV001023272.9), dbSNP rs1298618908, ClinGen allele CA345567079.

ClinVar aggregate classification (germline): Uncertain significance. Review status: criteria provided, multiple submitters, no conflicts (2 of 4 stars). 2 submissions from 2 submitters: Uncertain significance (2). Last evaluated 2024-03-20.

Conditions:
Hearing loss, autosomal dominant 34, with or without inflammation. Also called: DEAFNESS, AUTOSOMAL DOMINANT 34, WITH OR WITHOUT INFLAMMATION. Identifiers: MedGen C4521680, MONDO:0033261, OMIM 617772.
Keratitis fugax hereditaria. Also called: KERATOENDOTHELIITIS FUGAX HEREDITARIA. Identifiers: Orphanet 647815, MedGen C1835697, MONDO:0007849, OMIM 148200.
Chronic infantile neurological, cutaneous and articular syndrome (CINCA). Also called: Prieur Griscelli syndrome; CHRONIC NEUROLOGIC CUTANEOUS AND ARTICULAR SYNDROME; CRYOPYRIN-ASSOCIATED PERIODIC SYNDROME 3; CINCA syndrome. Identifiers: Orphanet 1451, MedGen C0409818, MONDO:0011776, OMIM 607115.
Familial amyloid nephropathy with urticaria AND deafness (MWS). Also called: UDA SYNDROME; URTICARIA-DEAFNESS-AMYLOIDOSIS SYNDROME; Urticaria, deafness and amyloidosis; CRYOPYRIN-ASSOCIATED PERIODIC SYNDROME 2; MUCKLE-WELLS SYNDROME. Identifiers: Orphanet 575, MedGen C0268390, MONDO:0008633, OMIM 191900.
Familial cold autoinflammatory syndrome 1 (FCAS1). Also called: Familial cold inflammatory syndrome 1; CRYOPYRIN-ASSOCIATED PERIODIC SYNDROME 1. Identifiers: Orphanet 47045, MedGen C4551895, MONDO:0007349, OMIM 120100.
Cryopyrin associated periodic syndrome (CAPS). Identifiers: Orphanet 208650, MedGen C2316212, MONDO:0016168.

Allele frequency attached by ClinVar (database versions not stated): TOPMed below 0.00001; gnomAD 0.00001.
gnomAD v4.1: 6 of 1,610,446 alleles (0.00037%); highest among the groups gnomAD compares: Non-Finnish European, 0.00042%; no homozygotes.

Submissions (2):

Fulgent Genetics
Classification: Uncertain significance for Familial cold autoinflammatory syndrome 1; Keratitis fugax hereditaria; Familial amyloid nephropathy with urticaria AND deafness; Chronic infantile neurological, cutaneous and articular syndrome; Hearing loss, autosomal dominant 34, with or without inflammation. Last evaluated: 2024-03-20. Review status: criteria provided, single submitter. Criteria: ACMG Guidelines, 2015. Collection method: clinical testing. Allele origin: germline.

Labcorp Genetics (formerly Invitae), Labcorp
Classification: Uncertain significance for Cryopyrin associated periodic syndrome. Last evaluated: 2020-08-26. Review status: criteria provided, single submitter. Criteria: Invitae Variant Classification Sherloc (09022015). Collection method: clinical testing. Allele origin: germline.
Comment: Algorithms developed to predict the effect of missense changes on protein structure and function (SIFT, PolyPhen-2, Align-GVGD) all suggest that this variant is likely to be tolerated, but these predictions have not been confirmed by published functional studies and their clinical significance is uncertain. This variant has not been reported in the literature in individuals with NLRP3-related conditions. This variant is not present in population databases (ExAC no frequency). This sequence change replaces proline with threonine at codon 1034 of the NLRP3 protein (p.Pro1034Thr). The proline residue is weakly conserved and there is a small physicochemical difference between proline and threonine. In summary, the available evidence is currently insufficient to determine the role of this variant in disease. Therefore, it has been classified as a Variant of Uncertain Significance.